The following is an entry in ClinVar:

NM_007194.4(CHEK2):c.862delinsTG (p.Ile288fs)

Gene: CHEK2 (checkpoint kinase 2; minus strand). Cytogenetic location: 22q12.1.
Variant type: Indel.
Coding change: c.862delinsTG on transcript NM_007194.4 (MANE Select); coding-DNA position 862, A replaced by TG.
Protein change: p.Ile288fs; shifts the reading frame from isoleucine 288.
Molecular consequence: frameshift variant.
Genome position (GRCh38, 1-based): chr22:28,703,551, T replaced by CA on the plus strand (A replaced by TG on the coding strand, the reverse complement: CHEK2 is on the minus strand). VCF-style: chr22-28703551-T-CA. GRCh37 (hg19) VCF-style: chr22-29099539-T-CA.
Other names: c.991delinsTG, p.Ile331fs (NM_001005735.3, NM_001438294.1); c.199delinsTG, p.Ile67fs (NM_001257387.3, NM_001437942.1); c.661delinsTG, p.Ile221fs (NM_001349956.3); c.955delinsTG, p.Ile319fs (NM_001438293.1, NM_001438295.1); c.862delinsTG, p.Ile288fs (NM_145862.3); short protein forms I221fs, I288fs, I319fs, I331fs, I67fs.
Identifiers: ClinVar variation 4868946 (VCV004868946.1).
Genomic context (GRCh38, chr22:28,703,551, plus strand): 5'-AGTTTACTACTTACAATTCCAAAACAATATAATAATCTTCTGCATCAAAAAAGTTTTTAA[T>CA]CTTGATGATGCAAGGCTAAGAAGAGGGGGAGAAAAAAGGGAAAGTAGTGAGAAACTCCCA-3'

ClinVar aggregate classification (germline): Pathogenic (1 of 4 stars; one submission).

Conditions:
Hereditary cancer-predisposing syndrome. Also called: Neoplastic Syndromes, Hereditary; Tumor predisposition; Hereditary Cancer Syndrome; Hereditary neoplastic syndrome. Identifiers: Orphanet 140162, MedGen C0027672, MeSH D009386, MONDO:0015356.

Submission:

Ambry Genetics
Classification: Pathogenic for Hereditary cancer-predisposing syndrome. Last evaluated: 2026-06-11. Review status: criteria provided, single submitter. Criteria: Ambry Variant Classification Scheme 2023. Collection method: clinical testing. Allele origin: germline.
Comment: The c.862delAinsTG variant, located in coding exon 7 of the CHEK2 gene, results from the deletion of one nucleotide and insertion of two nucleotides causing a translational frameshift with a predicted alternate stop codon (p.I288Cfs*2). This variant is considered to be rare based on population cohorts in the Genome Aggregation Database (gnomAD). This alteration is expected to result in loss of function by premature protein truncation or nonsense-mediated mRNA decay. As such, this alteration is interpreted as a disease-causing mutation.